The following is an entry in ClinVar:

NM_001031685.3(TP53BP2):c.189G>A (p.Ala63=)

Gene: TP53BP2 (tumor protein p53 binding protein 2; minus strand). Cytogenetic location: 1q41.
Variant type: single nucleotide variant.
Coding change: c.189G>A on transcript NM_001031685.3 (MANE Select); coding-DNA position 189, G replaced by A.
Protein change: p.Ala63=; no amino-acid change (alanine 63 retained).
Molecular consequence: synonymous variant. On other transcripts: 5 prime UTR variant (1).
Genome position (GRCh38, 1-based): chr1:223,814,340, C>T on the plus strand (G>A on the coding strand, the complement: TP53BP2 is on the minus strand). VCF-style: chr1-223814340-C-T. GRCh37 (hg19) VCF-style: chr1-224002042-C-T.
Other names: c.-199G>A (NM_005426.3).
Identifiers: ClinVar variation 3053352 (VCV003053352.2), dbSNP rs148955881, ClinGen allele CA1413198.
Genomic context (GRCh38, chr1:223,814,340, plus strand): 5'-GCGAACTTCGTTCCTCTGACTTCCAAATCGTTGAAGAACATCAAACATTCGCTCATTATC[C>T]GCAACTGGACGTTCTAAAGCAAATGAGTAGAAACCACATTATTTTCAGGTAAAAGAAAGA-3'
Protein context (NP_001026855.2, residues 53-73): EVWCGSERPV[Ala63=]DNERMFDVLQ

ClinVar aggregate classification (germline): Likely benign (0 of 4 stars; one submission).

Conditions:
TP53BP2-related disorder. Also called: TP53BP2-related condition.

Allele frequency attached by ClinVar (database versions not stated): ESP Exome Variant Server 0.00033; gnomAD 0.00033; ExAC 0.00037; gnomAD exomes 0.00041; TOPMed 0.00049; 1000 Genomes Project 0.00060; 1000 Genomes Project 30x 0.00062.
gnomAD v4.1: 677 of 1,612,198 alleles (0.042%); highest among the groups gnomAD compares: Middle Eastern, 0.53%; 1 homozygote.

Submission:

PreventionGenetics, part of Exact Sciences
Classification: Likely benign for TP53BP2-related condition. Last evaluated: 2019-02-22. Review status: no assertion criteria provided. Collection method: clinical testing. Allele origin: germline.
Comment: This variant is classified as likely benign based on ACMG/AMP sequence variant interpretation guidelines (Richards et al. 2015 PMID: 25741868, with internal and published modifications).